The following is an entry in ClinVar:

NM_172107.4(KCNQ2):c.1178del (p.Leu393fs)

Gene: KCNQ2 (potassium voltage-gated channel subfamily Q member 2; minus strand). Cytogenetic location: 20q13.33.
Variant type: Deletion.
Coding change: c.1178del on transcript NM_172107.4 (MANE Select); coding-DNA position 1178, one base deleted (T; older notation c.1178delT).
Protein change: p.Leu393fs; shifts the reading frame from leucine 393.
Molecular consequence: frameshift variant.
Genome position (GRCh38, 1-based): chr20:63,428,406, A deleted on the plus strand (T on the coding strand, the reverse complement: KCNQ2 is on the minus strand). VCF-style (leftmost placement, unchanged base first): chr20-63428405-CA-C. GRCh37 (hg19) VCF-style: chr20-62059758-CA-C.
Other names: c.1148del, p.Leu383fs (NM_004518.6); c.1178del, p.Leu393fs (NM_172106.3, NM_172108.5); short protein forms L383fs, L393fs.
Identifiers: ClinVar variation 524079 (VCV000524079.2), dbSNP rs1555860693, ClinGen allele CA658799401.

ClinVar aggregate classification (germline): Likely pathogenic (1 of 4 stars; one submission).

Submission:

GeneDx
Classification: Likely pathogenic. Last evaluated: 2018-04-13. Review status: criteria provided, single submitter. Criteria: GeneDx Variant Classification (06012015). Collection method: clinical testing. Allele origin: germline. Affected: yes.
Comment: The c.1178delT variant in the KCNQ2 gene has not been reported previously as a pathogenic variant nor as a benign variant, to our knowledge. The c.1178delT variant causes a frameshift starting with codon Leucine 393, changes this amino acid to an Arginine residue, and creates a premature Stop codon at position 2 of the new reading frame, denoted p.Leu393ArgfsX2. This variant is predicted to cause loss of normal protein function either through protein truncation or nonsense-mediated mRNA decay. The c.1178delT variant is not observed in large population cohorts (Lek et al., 2016). We interpret c.1178delT as a likely pathogenic variant.